The following is an entry in ClinVar:

ClinVar aggregate classification (germline): Uncertain significance (1 of 4 stars; one submission).

Submission:

Women's Health and Genetics/Laboratory Corporation of America, LabCorp
Classification: Uncertain significance. Last evaluated: 2026-04-28. Review status: criteria provided, single submitter. Criteria: LabCorp Variant Classification Summary - May 2015. Collection method: clinical testing. Allele origin: germline.
Comment: Variant summary: PKD1 c.3154G>C (p.Ala1052Pro) results in a non-conservative amino acid change in the encoded protein sequence. Algorithms developed to predict the effect of missense changes on protein structure and function are either unavailable or do not agree on the potential impact of this missense change. The variant was absent in 236598 control chromosomes. The available data on variant occurrences in the general population are insufficient to allow any conclusion about variant significance. To our knowledge, no occurrence of c.3154G>C in individuals affected with PKD1-related conditions and no experimental evidence demonstrating its impact on protein function have been reported. No submitters have cited clinical-significance assessments for this variant to ClinVar. Based on the evidence outlined above, the variant was classified as uncertain significance.

NM_001009944.3(PKD1):c.3154G>C (p.Ala1052Pro)

Gene: PKD1 (polycystin 1, transient receptor potential channel interacting; minus strand). Cytogenetic location: 16p13.3.
Variant type: single nucleotide variant.
Coding change: c.3154G>C on transcript NM_001009944.3 (MANE Select); coding-DNA position 3154, G replaced by C.
Protein change: p.Ala1052Pro; replaces alanine 1052 with proline.
Molecular consequence: missense variant.
Genome position (GRCh38, 1-based): chr16:2,112,795, C>G on the plus strand (G>C on the coding strand, the complement: PKD1 is on the minus strand). VCF-style: chr16-2112795-C-G. GRCh37 (hg19) VCF-style: chr16-2162796-C-G.
Other names: c.3154G>C, p.Ala1052Pro (NM_000296.4); short protein forms A1052P.
Identifiers: ClinVar variation 4848904 (VCV004848904.1).